The following is an entry in ClinVar:

ClinVar aggregate classification (germline): Uncertain significance (1 of 4 stars; one submission).

Conditions:
LIPA-related disorder. Also called: LIPA-related disorders; LIPA-related condition.

Submission:

PreventionGenetics, part of Exact Sciences
Classification: Uncertain significance for LIPA-related condition. Last evaluated: 2025-10-07. Review status: criteria provided, single submitter. Criteria: ACMG Guidelines, 2015. Collection method: clinical testing. Allele origin: germline.
Comment: The LIPA c.538+4T>G variant is predicted to interfere with splicing. This variant is predicted to alter splicing based on available splicing prediction programs (SpliceAI, Jaganathan et al. 2019. PubMed ID: 30661751). To our knowledge, this variant has not been reported in the literature. This variant is reported in 0.012% of alleles in individuals of African descent in gnomAD. At this time, the clinical significance of this variant is uncertain due to the absence of conclusive functional and genetic evidence.

NM_000235.4(LIPA):c.538+4T>G

Gene: LIPA (lipase A, lysosomal acid type; minus strand). Cytogenetic location: 10q23.31.
Variant type: single nucleotide variant.
Coding change: c.538+4T>G on transcript NM_000235.4 (MANE Select); 4 bases into the intron after coding-DNA position 538, T replaced by G.
Molecular consequence: intron variant.
Genome position (GRCh38, 1-based): chr10:89,226,891, A>C on the plus strand (T>G on the coding strand, the complement: LIPA is on the minus strand). VCF-style: chr10-89226891-A-C. GRCh37 (hg19) VCF-style: chr10-90986648-A-C.
Other names: c.370+4T>G (NM_001440839.1); c.538+4T>G (NM_001440819.1, NM_001440821.1, NM_001440824.1 and 16 more transcripts); c.553+4T>G (NM_001440838.1); c.670+4T>G (NM_001440836.1); c.190+4T>G (NM_001288979.2); c.559+4T>G (NM_001440837.1).
Identifiers: ClinVar variation 4989292 (VCV004989292.1).
Genomic context (GRCh38, chr10:89,226,891, plus strand): 5'-AAGAAAAGTACAAACTCTGTAATGAAGAATTTATATCAACTTCTGATCTTATTTACATAC[A>C]TACCTATAGTGGTGCCTTGAGAATGACCCACATAATACACTTGTTCTTGGCCAGTTTTAT-3'